The following is an entry in ClinVar:

NM_001005373.4(LRSAM1):c.544G>T (p.Ala182Ser)

Gene: LRSAM1 (leucine rich repeat and sterile alpha motif containing 1; plus strand). Cytogenetic location: 9q33.3.
Variant type: single nucleotide variant.
Coding change: c.544G>T on transcript NM_001005373.4 (MANE Select); coding-DNA position 544, G replaced by T.
Protein change: p.Ala182Ser; replaces alanine 182 with serine.
Molecular consequence: missense variant. On other transcripts: 5 prime UTR variant (1), non-coding transcript variant (2).
Genome position (GRCh38, 1-based): chr9:127,467,755, G>T. VCF-style: chr9-127467755-G-T. GRCh37 (hg19) VCF-style: chr9-130230034-G-T.
Other names: c.544G>T, p.Ala182Ser (NM_001005374.4, NM_001190723.3, NM_001384142.1 and 2 more transcripts); c.-241G>T (NM_001384144.1); short protein forms A182S.
Identifiers: ClinVar variation 1463770 (VCV001463770.8), dbSNP rs780636250, ClinGen allele CA374928477.
Genomic context (GRCh38, chr9:127,467,755, plus strand): 5'-TGCGTTGGTAGCGAACAGTAAAGCGGGTTACCCTTGTGTCTGCAGATGCTGAGCCTTGAC[G>T]CCTCGGCCATGGTCTACCCGCCGCGGGAGGTGTGTGGTGCCGGCACTGCGGCCATCTTGC-3'
Protein context (NP_001005373.1, residues 172-192): VRTLEMLSLD[Ala182Ser]SAMVYPPREV

ClinVar aggregate classification (germline): Uncertain significance (1 of 4 stars; one submission).

Conditions:
Charcot-Marie-Tooth disease axonal type 2P. Also called: Charcot-Marie-Tooth Neuropathy Type 2G; CHARCOT-MARIE-TOOTH DISEASE, AXONAL, TYPE 2G; CMT 2G; CHARCOT-MARIE-TOOTH NEUROPATHY, TYPE 2P. Identifiers: Orphanet 300319, Orphanet 99941, MedGen C3280797, MONDO:0013753, OMIM 614436.

gnomAD v4.1: 2 of 1,610,310 alleles (0.00012%); highest among the groups gnomAD compares: Non-Finnish European, 0.00017%; no homozygotes.

Submission:

Labcorp Genetics (formerly Invitae), Labcorp
Classification: Uncertain significance for Charcot-Marie-Tooth disease axonal type 2P. Last evaluated: 2020-11-25. Review status: criteria provided, single submitter. Criteria: Invitae Variant Classification Sherloc (09022015). Collection method: clinical testing. Allele origin: germline.
Comment: In summary, the available evidence is currently insufficient to determine the role of this variant in disease. Therefore, it has been classified as a Variant of Uncertain Significance. Algorithms developed to predict the effect of missense changes on protein structure and function are either unavailable or do not agree on the potential impact of this missense change (SIFT: "Deleterious"; PolyPhen-2: "Benign"; Align-GVGD: "Class C0"). This variant has not been reported in the literature in individuals with LRSAM1-related conditions. This variant is not present in population databases (ExAC no frequency). This sequence change replaces alanine with serine at codon 182 of the LRSAM1 protein (p.Ala182Ser). The alanine residue is highly conserved and there is a moderate physicochemical difference between alanine and serine.